The following is an entry in ClinVar:

NM_001184.4(ATR):c.2719G>A (p.Ala907Thr)

Gene: ATR (ATR checkpoint kinase; minus strand). Cytogenetic location: 3q23.
Variant type: single nucleotide variant.
Coding change: c.2719G>A on transcript NM_001184.4 (MANE Select); coding-DNA position 2719, G replaced by A.
Protein change: p.Ala907Thr; replaces alanine 907 with threonine.
Molecular consequence: missense variant.
Genome position (GRCh38, 1-based): chr3:142,553,313, C>T on the plus strand (G>A on the coding strand, the complement: ATR is on the minus strand). VCF-style: chr3-142553313-C-T. GRCh37 (hg19) VCF-style: chr3-142272155-C-T.
Other names: c.2527G>A, p.Ala843Thr (NM_001354579.2); short protein forms A843T, A907T.
Identifiers: ClinVar variation 1795147 (VCV001795147.2), dbSNP rs2034544104, ClinGen allele CA354814602.
Genomic context (GRCh38, chr3:142,553,313, plus strand): 5'-TGAAAAAACTTTGCAGTTTAACACTTTTAGCTGCAACCAGAGCTCTAATTTCTGTGTATG[C>T]TGCTCCAGAGACAGATGCTGACTTGGATAACAAACAATGCAATAAGTGTAAGAGTGCAAA-3'
Protein context (NP_001175.2, residues 897-917): LSKSASVSGA[Ala907Thr]YTEIRALVAA

ClinVar aggregate classification (germline): Uncertain significance (1 of 4 stars; one submission).

Conditions:
Inborn genetic diseases. Identifiers: MedGen C0950123, MeSH D030342.

Allele frequency attached by ClinVar (database versions not stated): TOPMed below 0.00001.

Submission:

Ambry Genetics
Classification: Uncertain significance for Inborn genetic diseases. Last evaluated: 2022-03-08. Review status: criteria provided, single submitter. Criteria: Ambry Variant Classification Scheme 2023. Collection method: clinical testing. Allele origin: germline.
Comment: The p.A907T variant (also known as c.2719G>A), located in coding exon 13 of the ATR gene, results from a G to A substitution at nucleotide position 2719. The alanine at codon 907 is replaced by threonine, an amino acid with similar properties. This amino acid position is conserved. In addition, the in silico prediction for this alteration is inconclusive. Since supporting evidence is limited at this time, the clinical significance of this alteration remains unclear.